The following is an entry in ClinVar:

ClinVar aggregate classification (germline): Likely benign (0 of 4 stars; one submission).

Conditions:
GLI2-related disorder. Also called: GLI2-related disorders; GLI2-related condition.

Allele frequency attached by ClinVar (database versions not stated): ExAC 0.00001.
gnomAD v4.1: 13 of 1,613,632 alleles (0.00081%); highest among the groups gnomAD compares: Middle Eastern, 0.016%; no homozygotes.

Submission:

PreventionGenetics, part of Exact Sciences
Classification: Likely benign for GLI2-related condition. Last evaluated: 2023-06-01. Review status: no assertion criteria provided. Collection method: clinical testing. Allele origin: germline.
Comment: This variant is classified as likely benign based on ACMG/AMP sequence variant interpretation guidelines (Richards et al. 2015 PMID: 25741868, with internal and published modifications).

NM_001374353.1(GLI2):c.180G>A (p.Ala60=)

Gene: GLI2 (GLI family zinc finger 2; plus strand). Cytogenetic location: 2q14.2.
Variant type: single nucleotide variant.
Coding change: c.180G>A on transcript NM_001374353.1 (MANE Select); coding-DNA position 180, G replaced by A.
Protein change: p.Ala60=; no amino-acid change (alanine 60 retained).
Molecular consequence: synonymous variant. On other transcripts: intron variant (1).
Genome position (GRCh38, 1-based): chr2:120,927,392, G>A. VCF-style: chr2-120927392-G-A. GRCh37 (hg19) VCF-style: chr2-121684968-G-A.
Other names: c.180G>A, p.Ala60= (NM_001371271.1, NM_005270.5); c.-121-23851G>A (NM_001374354.1).
Identifiers: ClinVar variation 3031886 (VCV003031886.2), dbSNP rs771240808, ClinGen allele CA1851446.